The following is an entry in ClinVar:

ClinVar aggregate classification (germline): Uncertain significance. Review status: criteria provided, multiple submitters, no conflicts (2 of 4 stars). 2 submissions from 2 submitters: Uncertain significance (2). Last evaluated 2024-02-24.

Conditions:
Epidermolysis bullosa dystrophica. Also called: Dystrophic epidermolysis bullosa, Hallopeau-Siemens type (formerly); Dystrophic epidermolysis bullosa. Identifiers: Orphanet 303, MedGen C0079294, MONDO:0006543.

Allele frequency attached by ClinVar (database versions not stated): ExAC 0.00001; gnomAD exomes 0.00001.
gnomAD v4.1: 10 of 1,610,042 alleles (0.00062%); highest among the groups gnomAD compares: Non-Finnish European, 0.00085%; no homozygotes.

Submissions (2):

Labcorp Genetics (formerly Invitae), Labcorp
Classification: Uncertain significance. Last evaluated: 2024-02-24. Review status: criteria provided, single submitter. Criteria: Invitae Variant Classification Sherloc (09022015). Collection method: clinical testing. Allele origin: germline.
Comment: This sequence change replaces lysine, which is basic and polar, with arginine, which is basic and polar, at codon 2038 of the COL7A1 protein (p.Lys2038Arg). This variant is present in population databases (rs749235923, gnomAD 0.003%). This variant has not been reported in the literature in individuals affected with COL7A1-related conditions. ClinVar contains an entry for this variant (Variation ID: 345824). Advanced modeling of protein sequence and biophysical properties (such as structural, functional, and spatial information, amino acid conservation, physicochemical variation, residue mobility, and thermodynamic stability) performed at Invitae indicates that this missense variant is not expected to disrupt COL7A1 protein function with a negative predictive value of 95%. In summary, the available evidence is currently insufficient to determine the role of this variant in disease. Therefore, it has been classified as a Variant of Uncertain Significance.

Illumina Laboratory Services, Illumina
Classification: Uncertain significance for Dystrophic epidermolysis bullosa. Last evaluated: 2018-01-13. Review status: criteria provided, single submitter. Criteria: ICSL Variant Classification Criteria 13 December 2019. Collection method: clinical testing. Allele origin: germline.

NM_000094.4(COL7A1):c.6113A>G (p.Lys2038Arg)

Gene: COL7A1 (collagen type VII alpha 1 chain; minus strand). Cytogenetic location: 3p21.31.
Variant type: single nucleotide variant.
Coding change: c.6113A>G on transcript NM_000094.4 (MANE Select); coding-DNA position 6113, A replaced by G.
Protein change: p.Lys2038Arg; replaces lysine 2038 with arginine.
Molecular consequence: missense variant.
Genome position (GRCh38, 1-based): chr3:48,575,406, T>C on the plus strand (A>G on the coding strand, the complement: COL7A1 is on the minus strand). VCF-style: chr3-48575406-T-C. GRCh37 (hg19) VCF-style: chr3-48612839-T-C.
Other names: short protein forms K2038R.
Identifiers: ClinVar variation 345824 (VCV000345824.7), dbSNP rs749235923, ClinGen allele CA2379193.
Genomic context (GRCh38, chr3:48,575,406, plus strand): 5'-CCTGGCCTTCCTGCCTCTCCCACACCCCCAGCCCTGCCTGGGAGCCCGGGAATACCAGGC[T>C]TTCCAGGCTCCCCGGCAAGGCCGGAAGGCCCGGGGGGGCCCCTCTCCCCAAGGGCCAGAC-3'
Protein context (NP_000085.1, residues 2028-2048): GPSGLAGEPG[Lys2038Arg]PGIPGLPGRA